The following is an entry in ClinVar:

NM_001040142.2(SCN2A):c.5114T>C (p.Ile1705Thr)

Gene: SCN2A (sodium voltage-gated channel alpha subunit 2; plus strand). Cytogenetic location: 2q24.3.
Variant type: single nucleotide variant.
Coding change: c.5114T>C on transcript NM_001040142.2 (MANE Select); coding-DNA position 5114, T replaced by C.
Protein change: p.Ile1705Thr; replaces isoleucine 1705 with threonine.
Molecular consequence: missense variant.
Genome position (GRCh38, 1-based): chr2:165,388,920, T>C. VCF-style: chr2-165388920-T-C. GRCh37 (hg19) VCF-style: chr2-166245430-T-C.
Other names: NM_001040142.2(SCN2A):c.5114T>C; p.Ile1705Thr; c.5114T>C, p.Ile1705Thr (NM_001040143.2, NM_001371246.1, NM_001371247.1 and 1 more transcripts); c.5114T>C (NM_021007.2); short protein forms I1705T.
Identifiers: ClinVar variation 1027500 (VCV001027500.9), dbSNP rs2105402552, ClinGen allele CA349038236.

ClinVar aggregate classification (germline): Uncertain significance. Review status: reviewed by expert panel (3 of 4 stars). 4 submissions from 4 submitters: Uncertain significance (1). 3 of the submissions do not count toward it. Last evaluated 2026-01-27.

Conditions:
Complex neurodevelopmental disorder. Identifiers: Orphanet 528084, MedGen C5568766, MONDO:0100038.
Spastic ataxia. Identifiers: Orphanet 316226, MedGen C1849156, MONDO:0017845, HP:0002497.
Seizures, benign familial infantile, 3 (BFIS3). Also called: CONVULSIONS, BENIGN FAMILIAL INFANTILE, 3; Familial neonatal seizures. Identifiers: Orphanet 140927, Orphanet 306, MedGen C1843140, MONDO:0011904, OMIM 607745.
Developmental and epileptic encephalopathy, 11 (DEE11). Also called: Early infantile epileptic encephalopathy 11. Identifiers: Orphanet 1934, MedGen C3150987, MONDO:0013388, OMIM 613721.

Submissions (4):

ClinGen Epilepsy Sodium Channel Variant Curation Expert Panel, Clingen
Classification: Uncertain significance for Complex neurodevelopmental disorder. Last evaluated: 2026-01-27. Review status: reviewed by expert panel. Criteria: ClinGen EpilepsySCN ACMG Specifications SCN2A V2.0.0. Collection method: curation. Allele origin: germline. Inheritance: Autosomal dominant inheritance.
Comment: The NM_001040142.2:c.5114T>C variant in SCN2A is a missense variant predicted to cause substitution of isoleucine by threonine at amino acid 1705 (p.Ile1705Thr). This variant has been reported in 3 probands. The second had microcephaly and developmental delay. The third had headaches and cafe-au lait macules (Internal Lab Contributors). These variable phenotypes were deemed to be inconsistent with complex neurodevelopmental disorder, and PS4 was not applied. This variant is absent from gnomAD v4.1.0 (PM2_Supporting). The computational predictor REVEL gives a score of 0.945, which is above the threshold of 0.773, evidence that correlates with impact to SCN2A function (PP3_Moderate). In summary, this variant meets the criteria to be classified as a VUS for autosomal dominant complex neurodevelopmental disorder based on the ACMG/AMP criteria applied, as specified by the ClinGen Epilepsy Sodium Channel VCEP: PP3_Moderate, PM2_Supporting. (Specifications Version 2.0.0; approved 1/27/2026).

GeneDx
Classification: Uncertain significance. Last evaluated: 2024-03-27. Review status: criteria provided, single submitter. Criteria: GeneDx Variant Classification Process June 2021. Collection method: clinical testing. Allele origin: germline. Not counted in ClinVar's aggregate classification.
Comment: Reported in an individual with late-onset spinocerebellar ataxia (PMID: 34445196); Not observed at significant frequency in large population cohorts (gnomAD); In silico analysis supports that this missense variant has a deleterious effect on protein structure/function; This variant is associated with the following publications: (PMID: 34445196)

Labcorp Genetics (formerly Invitae), Labcorp
Classification: Uncertain significance for Seizures, benign familial infantile, 3; Developmental and epileptic encephalopathy, 11. Last evaluated: 2022-08-04. Review status: criteria provided, single submitter. Criteria: Invitae Variant Classification Sherloc (09022015). Collection method: clinical testing. Allele origin: germline. Not counted in ClinVar's aggregate classification.
Comment: This variant has not been reported in the literature in individuals affected with SCN2A-related conditions. This sequence change replaces isoleucine, which is neutral and non-polar, with threonine, which is neutral and polar, at codon 1705 of the SCN2A protein (p.Ile1705Thr). This variant is not present in population databases (gnomAD no frequency). ClinVar contains an entry for this variant (Variation ID: 1027500). Algorithms developed to predict the effect of missense changes on protein structure and function (SIFT, PolyPhen-2, Align-GVGD) all suggest that this variant is likely to be disruptive. In summary, the available evidence is currently insufficient to determine the role of this variant in disease. Therefore, it has been classified as a Variant of Uncertain Significance.

Molecular Medicine for Neurodegenerative and Neuromuscular Diseases Unit, IRCCS Fondazione Stella Maris
Classification: Likely pathogenic for Spastic ataxia. Last evaluated: 2021-07-12. Review status: criteria provided, single submitter. Criteria: ACMG Guidelines, 2015. Collection method: research. Allele origin: unknown. Affected: yes. Not counted in ClinVar's aggregate classification.